The following is an entry in ClinVar:

NM_001080449.3(DNA2):c.3059T>C (p.Leu1020Pro)

Gene: DNA2 (DNA replication helicase/nuclease 2; minus strand). Cytogenetic location: 10q21.3.
Variant type: single nucleotide variant.
Coding change: c.3059T>C on transcript NM_001080449.3 (MANE Select); coding-DNA position 3059, T replaced by C.
Protein change: p.Leu1020Pro; replaces leucine 1020 with proline.
Molecular consequence: missense variant. On other transcripts: non-coding transcript variant (1).
Genome position (GRCh38, 1-based): chr10:68,416,764, A>G on the plus strand (T>C on the coding strand, the complement: DNA2 is on the minus strand). VCF-style: chr10-68416764-A-G. GRCh37 (hg19) VCF-style: chr10-70176521-A-G.
Other names: short protein forms L1020P.
Identifiers: ClinVar variation 2578140 (VCV002578140.2), dbSNP rs2493889189, ClinGen allele CA376839076.
Genomic context (GRCh38, chr10:68,416,764, plus strand): 5'-GATATTAATTTTTCTGAGTTTAAATGATTAAGCAGCTTCTCCAAAGGAGGATAGCAATTT[A>G]GTGAGGGCACACACCCCAGAAGAATCAGTTTATGTTTGGCTCTGGTTATAGCAACATTAA-3'
Protein context (NP_001073918.2, residues 1010-1030): KLILLGCVPS[Leu1020Pro]NCYPPLEKLL

ClinVar aggregate classification (germline): Uncertain significance. Review status: criteria provided, multiple submitters, no conflicts (2 of 4 stars). 2 submissions from 2 submitters: Uncertain significance (2). Last evaluated 2026-03-05.

Conditions:
Mitochondrial DNA deletion syndrome with progressive myopathy. Also called: Progressive external ophthalmoplegia with mitochondrial DNA deletions, autosomal dominant 6; PROGRESSIVE EXTERNAL OPHTHALMOPLEGIA, AUTOSOMAL DOMINANT 6. Identifiers: Orphanet 352470, MedGen C3554599, MONDO:0014062, OMIM 615156.

Submissions (2):

Mendelics
Classification: Uncertain significance for Mitochondrial DNA deletion syndrome with progressive myopathy. Last evaluated: 2026-03-05. Review status: criteria provided, single submitter. Criteria: ACMG Guidelines, 2015. Collection method: clinical testing. Allele origin: unknown.
Comment: The available evidence is insufficient to conclusively determine the role of this variant. Therefore, it is classified as a Variant of Uncertain Significance.

GeneDx
Classification: Uncertain significance. Last evaluated: 2023-02-28. Review status: criteria provided, single submitter. Criteria: GeneDx Variant Classification Process June 2021. Collection method: clinical testing. Allele origin: germline. Affected: yes.
Comment: Not observed at significant frequency in large population cohorts (gnomAD); In silico analysis supports that this missense variant has a deleterious effect on protein structure/function; Has not been previously published as pathogenic or benign to our knowledge.